The following is an entry in ClinVar:

ClinVar aggregate classification (germline): Conflicting classifications of pathogenicity. Review status: criteria provided, conflicting classifications (1 of 4 stars). 3 submissions from 3 submitters: Uncertain significance (1); Likely benign (2). Last evaluated 2025-07-09.

Conditions:
Hereditary cancer-predisposing syndrome. Also called: Hereditary neoplastic syndrome; Tumor predisposition; Hereditary Cancer Syndrome; Neoplastic Syndromes, Hereditary. Identifiers: Orphanet 140162, MedGen C0027672, MeSH D009386, MONDO:0015356.
Breast-ovarian cancer, familial, susceptibility to, 4. Identifiers: Orphanet 145, MedGen C3280345, MONDO:0013669, OMIM 614291.

Submissions (3):

Labcorp Genetics (formerly Invitae), Labcorp
Classification: Likely benign for Breast-ovarian cancer, familial, susceptibility to, 4. Last evaluated: 2025-07-09. Review status: criteria provided, single submitter. Criteria: Invitae Variant Classification Sherloc (09022015). Collection method: clinical testing. Allele origin: germline.

Sema4
Classification: Uncertain significance for Hereditary cancer-predisposing syndrome. Last evaluated: 2021-07-19. Review status: criteria provided, single submitter. Criteria: Sema4 Curation Guidelines. Collection method: curation. Allele origin: germline.
Comment: The RAD51D c.345+6T>C variant has not been reported in literature to our knowledge. This variant was not observed in the large and broad cohorts of the Genome Aggregation Database (PMID: 32461654). This variant has been reported in ClinVar (Variation ID 492425). Splice site prediction tools suggest the variant may strengthen the cryptic splice site, however these predictions have not been confirmed by published transcriptional studies. The overall evidence is insufficient to meet ACMG/AMP criteria for classifying it as benign or pathogenic. In summary, the clinical significance of this variant is currently uncertain.

Color Diagnostics, LLC DBA Color Health
Classification: Likely benign for Hereditary cancer-predisposing syndrome. Last evaluated: 2015-04-22. Review status: criteria provided, single submitter. Criteria: ACMG Guidelines, 2015. Collection method: clinical testing. Allele origin: germline.

NM_002878.4(RAD51D):c.345+6T>C

Genes: RAD51L3-RFFL (RAD51L3-RFFL readthrough; minus strand), RAD51D (RAD51 paralog D; minus strand). Cytogenetic location: 17q12.
Variant type: single nucleotide variant.
Coding change: c.345+6T>C on transcript NM_002878.4 (MANE Select); 6 bases into the intron after coding-DNA position 345, T replaced by C.
Molecular consequence: intron variant.
Genome position (GRCh38, 1-based): chr17:35,107,360, A>G on the plus strand (T>C on the coding strand, the complement: RAD51D is on the minus strand). VCF-style: chr17-35107360-A-G. GRCh37 (hg19) VCF-style: chr17-33434379-A-G.
Other names: c.145-879T>C (NM_133629.3); c.405+6T>C (NM_001142571.2).
Identifiers: ClinVar variation 492425 (VCV000492425.9), dbSNP rs1555568466, ClinGen allele CA658684031.
Genomic context (GRCh38, chr17:35,107,360, plus strand): 5'-GGACCCTGGGCTATGCATCTACCACCCTCACCCCTAAATCCTCCTGACTGCTGGCCTCAC[A>G]TGTACCTGAGTTTTGCCGCTACCTGGGCCTCCTACAATTTCAGTCACTTCTCCAGTATAG-3'